The following is an entry in ClinVar:

NM_138694.4(PKHD1):c.4465G>C (p.Asp1489His)

Gene: PKHD1 (PKHD1 ciliary IPT domain containing fibrocystin/polyductin; minus strand). Cytogenetic location: 6p12.2.
Variant type: single nucleotide variant.
Coding change: c.4465G>C on transcript NM_138694.4 (MANE Select); coding-DNA position 4465, G replaced by C.
Protein change: p.Asp1489His; replaces aspartic acid 1489 with histidine.
Molecular consequence: missense variant.
Genome position (GRCh38, 1-based): chr6:52,025,345, C>G on the plus strand (G>C on the coding strand, the complement: PKHD1 is on the minus strand). VCF-style: chr6-52025345-C-G. GRCh37 (hg19) VCF-style: chr6-51890143-C-G.
Other names: c.4465G>C, p.Asp1489His (NM_170724.3); short protein forms D1489H.
Identifiers: ClinVar variation 1967773 (VCV001967773.4), dbSNP rs764210835, ClinGen allele CA3852717.
Genomic context (GRCh38, chr6:52,025,345, plus strand): 5'-ACCTCTGACCCCTAATCAGCACAGTGGTCAGAGACCCACTGGTGTTTGTGGACAAGGCAT[C>G]CATGACAGGACTTGCCTCTTCCCTTATGAAAAGAGTGCAATTCCCCTGACACTCGCTGGT-3'
Protein context (NP_619639.3, residues 1479-1499): FIREEASPVM[Asp1489His]ALSTNTSGSL

ClinVar aggregate classification (germline): Uncertain significance. Review status: criteria provided, multiple submitters, no conflicts (2 of 4 stars). 3 submissions from 3 submitters: Uncertain significance (3). Last evaluated 2023-08-17.

Conditions:
PKHD1-related disorder. Also called: PKHD1-related condition.
Inborn genetic diseases. Identifiers: MedGen C0950123, MeSH D030342.
Autosomal recessive polycystic kidney disease (ARPKD). Also called: AR polycystic kidney disease. Identifiers: Orphanet 731, Orphanet 8378, MedGen C0085548, MeSH D017044, MONDO:0009889.

Allele frequency attached by ClinVar (database versions not stated): gnomAD exomes 0.00001; ExAC 0.00003.
gnomAD v4.1: 17 of 1,614,082 alleles (0.0011%); highest among the groups gnomAD compares: Middle Eastern, 0.16%; no homozygotes.

Submissions (3):

PreventionGenetics, part of Exact Sciences
Classification: Uncertain significance for PKHD1-related condition. Last evaluated: 2023-08-17. Review status: criteria provided, single submitter. Criteria: ACMG Guidelines, 2015. Collection method: clinical testing. Allele origin: germline.
Comment: The PKHD1 c.4465G>C variant is predicted to result in the amino acid substitution p.Asp1489His. To our knowledge, this variant has not been reported in the literature. This variant is reported in 0.0026% of alleles in individuals of European (Non-Finnish) descent in gnomAD. At this time, the clinical significance of this variant is uncertain due to the absence of conclusive functional and genetic evidence.

Labcorp Genetics (formerly Invitae), Labcorp
Classification: Uncertain significance for Autosomal recessive polycystic kidney disease. Last evaluated: 2021-09-24. Review status: criteria provided, single submitter. Criteria: Invitae Variant Classification Sherloc (09022015). Collection method: clinical testing. Allele origin: germline.
Comment: This sequence change replaces aspartic acid with histidine at codon 1489 of the PKHD1 protein (p.Asp1489His). The aspartic acid residue is highly conserved and there is a moderate physicochemical difference between aspartic acid and histidine. This variant is present in population databases (rs764210835, ExAC 0.005%). This variant has not been reported in the literature in individuals with PKHD1-related conditions. Algorithms developed to predict the effect of missense changes on protein structure and function are either unavailable or do not agree on the potential impact of this missense change (SIFT: "Deleterious"; PolyPhen-2: "Possibly Damaging"; Align-GVGD: "Class C0"). In summary, the available evidence is currently insufficient to determine the role of this variant in disease. Therefore, it has been classified as a Variant of Uncertain Significance.

Ambry Genetics
Classification: Uncertain significance for Inborn genetic diseases. Last evaluated: 2021-07-20. Review status: criteria provided, single submitter. Criteria: Ambry Variant Classification Scheme 2023. Collection method: clinical testing. Allele origin: germline.